The following is an entry in ClinVar:

ClinVar aggregate classification (germline): Benign. Review status: criteria provided, multiple submitters, no conflicts (2 of 4 stars). 2 submissions from 2 submitters: Benign (2). Last evaluated 2018-01-12.

Conditions:
Rotor syndrome (HBLRR). Also called: HYPERBILIRUBINEMIA, ROTOR TYPE, DIGENIC; HYPERBILIRUBINEMIA, ROTOR TYPE. Identifiers: Orphanet 3111, MedGen C0220991, MONDO:0009379, OMIM 237450.

Allele frequency attached by ClinVar (database versions not stated): 1000 Genomes Project 30x 0.03186; 1000 Genomes Project 0.03215; TOPMed 0.03369; gnomAD 0.03595 and 0.03701.
gnomAD v4.1: 5,627 of 152,262 alleles (3.7%); highest among the groups gnomAD compares: South Asian, 7.5%; 103 homozygotes.

Submissions (3):

Illumina Laboratory Services, Illumina
Classification: Benign for Rotor syndrome. Last evaluated: 2018-01-12. Review status: criteria provided, single submitter. Criteria: ICSL Variant Classification Criteria 13 December 2019. Collection method: clinical testing. Allele origin: germline.
Comment: This variant was observed in the ICSL laboratory as part of a predisposition screen in an ostensibly healthy population. It had not been previously curated by ICSL or reported in the Human Gene Mutation Database (HGMD: prior to June 1st, 2018), and was therefore a candidate for classification through an automated scoring system. Utilizing variant allele frequency, disease prevalence and penetrance estimates, and inheritance mode, an automated score was calculated to assess if this variant is too frequent to cause the disease. Based on the score and internal cut-off values, a variant classified as benign is not then subjected to further curation. The score for this variant resulted in a classification of benign for this disease.

Breakthrough Genomics
Classification: Benign. Review status: criteria provided, single submitter. Criteria: ACMG Guidelines, 2015. Collection method: not provided. Allele origin: germline. Inheritance: Autosomal recessive inheritance. Affected: yes.

Dr. Peter K. Rogan Lab, Western University
No classification provided (evidence only). Condition: Malignant tumor of esophagus. Review status: no classification provided. Collection method: in vitro. Allele origin: not applicable. Functional consequence: retained intron. Not counted in ClinVar's aggregate classification.

NM_019844.4(SLCO1B3):c.-180-7T>G

Gene: SLCO1B3 (solute carrier organic anion transporter family member 1B3; plus strand). Cytogenetic location: 12p12.2.
Variant type: single nucleotide variant.
Coding change: c.-180-7T>G on transcript NM_019844.4 (MANE Select); 7 bases into the intron before 180 bases upstream of the start codon, T replaced by G.
Molecular consequence: intron variant.
Genome position (GRCh38, 1-based): chr12:20,813,517, T>G. VCF-style: chr12-20813517-T-G. GRCh37 (hg19) VCF-style: chr12-20966451-T-G.
Other names: NC_000012.11:g.20966451T>G.
Identifiers: ClinVar variation 307882 (VCV000307882.7), dbSNP rs76069495, ClinGen allele CA10632360.